The following is an entry in ClinVar:

NM_000059.4(BRCA2):c.6277del (p.His2093fs)

Gene: BRCA2 (BRCA2 DNA repair associated; plus strand). Cytogenetic location: 13q13.1.
Variant type: Deletion.
Coding change: c.6277del on transcript NM_000059.4 (MANE Select); coding-DNA position 6277, one base deleted (C; older notation c.6277delC).
Protein change: p.His2093fs; shifts the reading frame from histidine 2093.
Molecular consequence: frameshift variant. On other transcripts: non-coding transcript variant (1), intron variant (2).
Genome position (GRCh38, 1-based): chr13:32,340,632, C deleted. VCF-style (leftmost placement, unchanged base first): chr13-32340631-TC-T. GRCh37 (hg19) VCF-style: chr13-32914768-TC-T.
Other names: c.6277del, p.His2093fs (NM_001406719.1, NM_001406720.1); c.1910-3926del (NM_001406721.1); c.425-3926del (NM_001406722.1); short protein forms H2093fs.
Identifiers: ClinVar variation 3227888 (VCV003227888.1), dbSNP rs2548532958, ClinGen allele CA2825002111.
Genomic context (GRCh38, chr13:32,340,631, plus strand): 5'-CTTACACAAAGTTAAGGGAGTGTTAGAGGAATTTGATTTAATCAGAACTGAGCATAGTCT[TC>T]ACTATTCACCTACGTCTAGACAAAATGTATCAAAAATACTTCCTCGTGTTGATAAGAGAA-3'

ClinVar aggregate classification (germline): Pathogenic (1 of 4 stars; one submission).

Conditions:
Hereditary cancer-predisposing syndrome. Also called: Neoplastic Syndromes, Hereditary; Tumor predisposition; Hereditary neoplastic syndrome; Hereditary Cancer Syndrome. Identifiers: Orphanet 140162, MedGen C0027672, MeSH D009386, MONDO:0015356.

Submission:

Ambry Genetics
Classification: Pathogenic for Hereditary cancer-predisposing syndrome. Last evaluated: 2023-12-22. Review status: criteria provided, single submitter. Criteria: Ambry Variant Classification Scheme 2023. Collection method: clinical testing. Allele origin: germline.
Comment: The c.6277delC pathogenic mutation, located in coding exon 10 of the BRCA2 gene, results from a deletion of one nucleotide at nucleotide position 6277, causing a translational frameshift with a predicted alternate stop codon (p.H2093Tfs*26). This alteration is expected to result in loss of function by premature protein truncation or nonsense-mediated mRNA decay. As such, this alteration is interpreted as a disease-causing mutation.